The following is an entry in ClinVar:

NM_198253.3(TERT):c.2399A>T (p.Glu800Val)

Gene: TERT (telomerase reverse transcriptase; minus strand). Cytogenetic location: 5p15.33.
Variant type: single nucleotide variant.
Coding change: c.2399A>T on transcript NM_198253.3 (MANE Select); coding-DNA position 2399, A replaced by T.
Protein change: p.Glu800Val; replaces glutamic acid 800 with valine.
Molecular consequence: missense variant.
Genome position (GRCh38, 1-based): chr5:1,271,188, T>A on the plus strand (A>T on the coding strand, the complement: TERT is on the minus strand). VCF-style: chr5-1271188-T-A. GRCh37 (hg19) VCF-style: chr5-1271303-T-A.
Other names: c.2399A>T, p.Glu800Val (NM_001193376.3); short protein forms E800V.
Identifiers: ClinVar variation 3967335 (VCV003967335.1).

ClinVar aggregate classification (germline): Uncertain significance (1 of 4 stars; one submission).

Conditions:
Dyskeratosis congenita. Identifiers: Orphanet 1775, MedGen C0265965, MONDO:0015780.

Submission:

Ambry Genetics
Classification: Uncertain significance for Dyskeratosis congenita. Last evaluated: 2025-03-26. Review status: criteria provided, single submitter. Criteria: Ambry Variant Classification Scheme 2023. Collection method: clinical testing. Allele origin: germline.
Comment: The p.E800V variant (also known as c.2399A>T), located in coding exon 8 of the TERT gene, results from an A to T substitution at nucleotide position 2399. The glutamic acid at codon 800 is replaced by valine, an amino acid with dissimilar properties. This amino acid position is conserved. In addition, the in silico prediction for this alteration is inconclusive. Based on the available evidence, the clinical significance of this variant remains unclear.